The following is an entry in ClinVar:

ClinVar aggregate classification (germline): Pathogenic. Review status: criteria provided, single submitter (1 of 4 stars). 2 submissions from 2 submitters: Pathogenic (1). 1 of the submissions does not count toward it. Last evaluated 2024-03-25.

Conditions:
Plasma factor XI deficiency.
Hereditary factor XI deficiency disease. Also called: Congenital factor XI deficiency; PLASMA THROMBOPLASTIN ANTECEDENT DEFICIENCY; PTA DEFICIENCY; ROSENTHAL SYNDROME. Identifiers: Orphanet 329, MedGen C0015523, MeSH D005173, MONDO:0012897, OMIM 612416.

Submissions (2):

Natera, Inc.
Classification: Pathogenic for Plasma factor XI deficiency. Last evaluated: 2024-03-25. Review status: criteria provided, single submitter. Criteria: Natera Variant Classification Schema (03/2026). Collection method: clinical testing. Allele origin: germline.
Comment: The c.1362_1375delAAAAGAGGACACAT variant in F11 is a frameshift variant predicted to shift the reading frame beginning at codon 455 and leads to a stop codon 11 codons downstream. This variant is expected to result in nonsense mediated decay, truncation, or a dysfunctional protein product. This variant is rare in the general population with a frequency below the threshold expected for the associated phenotype(s). This variant has been observed in one or more individuals affected with the associated recessive disease, as either homozygous or compound heterozygous with a second variant (PMID: 36195107). Given the available evidence, this variant is classified as Pathogenic.

Counsyl
Classification: Likely pathogenic for Hereditary factor XI deficiency disease. Last evaluated: 2017-07-10. Review status: no assertion criteria provided. Collection method: clinical testing. Allele origin: unknown. Not counted in ClinVar's aggregate classification.

Literature cited by the submitters: PubMed 36195107 (cited by Natera, Inc.).

NM_000128.4(F11):c.1362_1375del (p.Lys455fs)

Gene: F11 (coagulation factor XI; plus strand). Cytogenetic location: 4q35.2.
Variant type: Deletion.
Coding change: c.1362_1375del on transcript NM_000128.4 (MANE Select); coding-DNA positions 1362 to 1375, 14 bases deleted (AAAAGAGGACACAT).
Protein change: p.Lys455fs; shifts the reading frame from lysine 455.
Molecular consequence: frameshift variant.
Genome position (GRCh38, 1-based): chr4:186,285,695-186,285,708, AAAAGAGGACACAT deleted; deleting any 14 consecutive bases within chr4:186,285,693-186,285,708 gives the same sequence; the c. name uses the placement nearest the transcript's 3' end. VCF-style (leftmost placement, unchanged base first): chr4-186285692-AATAAAAGAGGACAC-A. GRCh37 (hg19) VCF-style: chr4-187206846-AATAAAAGAGGACAC-A.
Other names: c.1362_1375del14 (NM_000128.3); c.1362_1375delAAAAGAGGACACAT (NM_000128.3); short protein forms K455fs.
Identifiers: ClinVar variation 552815 (VCV000552815.3), dbSNP rs1554083734, ClinGen allele CA658821882.
Genomic context (GRCh38, chr4:186,285,692, plus strand): 5'-CCTTAGGGTAGAGTCACCTAAGATTTTGCGTGTCTACAGTGGCATTTTAAATCAATCTGA[AATAAAAGAGGACAC>A]ATCTTTCTTTGGGGTTCAAGAAATAATAATCCATGATCAGTATAAAATGGCAGAAAGCGG-3'